The following is an entry in ClinVar:

NM_007327.4(GRIN1):c.2105T>C (p.Met702Thr)

Gene: GRIN1 (glutamate ionotropic receptor NMDA type subunit 1; plus strand). Cytogenetic location: 9q34.3.
Variant type: single nucleotide variant.
Coding change: c.2105T>C on transcript NM_007327.4 (MANE Select); coding-DNA position 2105, T replaced by C.
Protein change: p.Met702Thr; replaces methionine 702 with threonine.
Molecular consequence: missense variant.
Genome position (GRCh38, 1-based): chr9:137,162,937, T>C. VCF-style: chr9-137162937-T-C. GRCh37 (hg19) VCF-style: chr9-140057389-T-C.
Other names: c.2105T>C, p.Met702Thr (NM_000832.7, NM_021569.4); c.2168T>C, p.Met723Thr (NM_001185090.2, NM_001185091.2); c.2105T>C (NM_007327.3); short protein forms M702T, M723T.
Identifiers: ClinVar variation 1422175 (VCV001422175.9), dbSNP rs2131300169, ClinGen allele CA375722251.

ClinVar aggregate classification (germline): Uncertain significance. Review status: criteria provided, multiple submitters, no conflicts (2 of 4 stars). 2 submissions from 2 submitters: Uncertain significance (2). Last evaluated 2024-06-24.

Conditions:
Neurodevelopmental disorder with or without hyperkinetic movements and seizures, autosomal dominant. Also called: Intellectual disability, autosomal dominant 8. Identifiers: MedGen C3280282, MONDO:0013655, OMIM 614254.

gnomAD v4.1: 1 of 1,609,930 alleles (0.000062%); no homozygotes.

Submissions (2):

GeneDx
Classification: Uncertain significance. Last evaluated: 2024-06-24. Review status: criteria provided, single submitter. Criteria: GeneDx Variant Classification Process June 2021. Collection method: clinical testing. Allele origin: germline. Affected: yes.
Comment: Not observed at significant frequency in large population cohorts (gnomAD); In silico analysis supports that this missense variant has a deleterious effect on protein structure/function; Has not been previously published as pathogenic or benign to our knowledge

Labcorp Genetics (formerly Invitae), Labcorp
Classification: Uncertain significance for Neurodevelopmental disorder with or without hyperkinetic movements and seizures, autosomal dominant. Last evaluated: 2022-02-05. Review status: criteria provided, single submitter. Criteria: Invitae Variant Classification Sherloc (09022015). Collection method: clinical testing. Allele origin: germline.
Comment: This sequence change replaces methionine, which is neutral and non-polar, with threonine, which is neutral and polar, at codon 702 of the GRIN1 protein (p.Met702Thr). This variant is not present in population databases (gnomAD no frequency). This variant has not been reported in the literature in individuals affected with GRIN1-related conditions. Advanced modeling of protein sequence and biophysical properties (such as structural, functional, and spatial information, amino acid conservation, physicochemical variation, residue mobility, and thermodynamic stability) performed at Invitae indicates that this missense variant is expected to disrupt GRIN1 protein function. In summary, the available evidence is currently insufficient to determine the role of this variant in disease. Therefore, it has been classified as a Variant of Uncertain Significance.